The following is an entry in ClinVar:

ClinVar aggregate classification (germline): Uncertain significance (1 of 4 stars; one submission).

Submission:

Labcorp Genetics (formerly Invitae), Labcorp
Classification: Uncertain significance. Last evaluated: 2025-06-11. Review status: criteria provided, single submitter. Criteria: Invitae Variant Classification Sherloc (09022015). Collection method: clinical testing. Allele origin: germline.
Comment: This sequence change replaces glycine, which is neutral and non-polar, with arginine, which is basic and polar, at codon 2733 of the DCHS1 protein (p.Gly2733Arg). This variant is not present in population databases (gnomAD no frequency). This variant has not been reported in the literature in individuals affected with DCHS1-related conditions. ClinVar contains an entry for this variant (Variation ID: 3686379). Invitae Evidence Modeling of protein sequence and biophysical properties (such as structural, functional, and spatial information, amino acid conservation, physicochemical variation, residue mobility, and thermodynamic stability) indicates that this missense variant is not expected to disrupt DCHS1 protein function with a negative predictive value of 80%. In summary, the available evidence is currently insufficient to determine the role of this variant in disease. Therefore, it has been classified as a Variant of Uncertain Significance.

NM_003737.4(DCHS1):c.8197G>C (p.Gly2733Arg)

Gene: DCHS1 (dachsous cadherin-related 1; minus strand). Cytogenetic location: 11p15.4.
Variant type: single nucleotide variant.
Coding change: c.8197G>C on transcript NM_003737.4 (MANE Select); coding-DNA position 8197, G replaced by C.
Protein change: p.Gly2733Arg; replaces glycine 2733 with arginine.
Molecular consequence: missense variant.
Genome position (GRCh38, 1-based): chr11:6,623,479, C>G on the plus strand (G>C on the coding strand, the complement: DCHS1 is on the minus strand). VCF-style: chr11-6623479-C-G. GRCh37 (hg19) VCF-style: chr11-6644710-C-G.
Other names: short protein forms G2733R.
Identifiers: ClinVar variation 3686379 (VCV003686379.2).
Genomic context (GRCh38, chr11:6,623,479, plus strand): 5'-CAGGTCCTGGCCCAGCCTCCAACAGGCTGTAACGGAGCCTCCCAAAAGCCCCAGCATCCC[C>G]GTCGATTGCATGCAGAGTGGTCACGAGAGTGCCTGGAGGCTGATTCTCGGCCACGCTGGT-3'
Protein context (NP_003728.1, residues 2723-2743): TLVTTLHAID[Gly2733Arg]DAGAFGRLRY